The following is an entry in ClinVar:

NM_032119.4(ADGRV1):c.11055T>A (p.Tyr3685Ter)

Gene: ADGRV1 (adhesion G protein-coupled receptor V1; plus strand). Cytogenetic location: 5q14.3.
Variant type: single nucleotide variant.
Coding change: c.11055T>A on transcript NM_032119.4 (MANE Select); coding-DNA position 11055, T replaced by A.
Protein change: p.Tyr3685Ter; replaces tyrosine 3685 with a stop codon.
Molecular consequence: nonsense. On other transcripts: non-coding transcript variant (1).
Genome position (GRCh38, 1-based): chr5:90,750,631, T>A. VCF-style: chr5-90750631-T-A. GRCh37 (hg19) VCF-style: chr5-90046448-T-A.
Other names: short protein forms Y3685*.
Identifiers: ClinVar variation 4688311 (VCV004688311.1).

ClinVar aggregate classification (germline): Pathogenic (1 of 4 stars; one submission).

Conditions:
Usher syndrome. Also called: Usher Syndromes; Usher's syndrome. Identifiers: Orphanet 886, MedGen CN469326, MeSH D052245, MONDO:0019501. Disease mechanism: loss of function.

Submission:

Women's Health and Genetics/Laboratory Corporation of America, LabCorp
Classification: Pathogenic for Usher syndrome. Last evaluated: 2025-12-15. Review status: criteria provided, single submitter. Criteria: LabCorp Variant Classification Summary - May 2015. Collection method: clinical testing. Allele origin: germline.
Comment: Variant summary: ADGRV1 c.11055T>A (p.Tyr3685X) results in a premature termination codon, predicted to cause a truncation of the encoded protein or absence of the protein due to nonsense mediated decay, which are commonly known mechanisms for disease. The variant was absent in 248992 control chromosomes. To our knowledge, no occurrence of c.11055T>A in individuals affected with ADGRV1-related conditions and no experimental evidence demonstrating its impact on protein function have been reported. No submitters have cited clinical-significance assessments for this variant to ClinVar. Based on the evidence outlined above, the variant was classified as pathogenic.